The following is an entry in ClinVar:

NM_020987.5(ANK3):c.3208A>C (p.Met1070Leu)

Gene: ANK3 (ankyrin 3; minus strand). Cytogenetic location: 10q21.2.
Variant type: single nucleotide variant.
Coding change: c.3208A>C on transcript NM_020987.5 (MANE Select); coding-DNA position 3208, A replaced by C.
Protein change: p.Met1070Leu; replaces methionine 1070 with leucine.
Molecular consequence: missense variant.
Genome position (GRCh38, 1-based): chr10:60,106,025, T>G on the plus strand (A>C on the coding strand, the complement: ANK3 is on the minus strand). VCF-style: chr10-60106025-T-G. GRCh37 (hg19) VCF-style: chr10-61865783-T-G.
Other names: c.610A>C, p.Met204Leu (NM_001149.4); c.3190A>C, p.Met1064Leu (NM_001204403.2); c.3211A>C, p.Met1071Leu (NM_001204404.2); c.3208A>C, p.Met1070Leu (NM_001320874.2); short protein forms M1064L, M1070L, M1071L, M204L.
Identifiers: ClinVar variation 4882519 (VCV004882519.2).

ClinVar aggregate classification (germline): Uncertain significance (1 of 4 stars; one submission).

Submission:

Dasa
Classification: Uncertain significance. Last evaluated: 2025-04-14. Review status: criteria provided, single submitter. Criteria: DASA Assertion Criteria. Collection method: clinical testing. Allele origin: germline.
Comment: NM_020987.5(ANK3):c.3208A>C (p.Met1070Leu) is a missense variant that results in the substitution of methionine with leucine. This variant is rare in population databases. Computational prediction algorithms are consistent with a benign effect. The currently available literature and clinical evidence are not sufficient to establish a definitive association between this variant and the reported condition. Therefore, this variant is classified as a variant of uncertain significance.